The following is an entry in ClinVar:

NM_006182.4(DDR2):c.720C>T (p.Asp240=)

Gene: DDR2 (discoidin domain receptor tyrosine kinase 2; plus strand). Cytogenetic location: 1q23.3.
Variant type: single nucleotide variant.
Coding change: c.720C>T on transcript NM_006182.4 (MANE Select); coding-DNA position 720, C replaced by T.
Protein change: p.Asp240=; no amino-acid change (aspartic acid 240 retained).
Molecular consequence: synonymous variant.
Genome position (GRCh38, 1-based): chr1:162,759,844, C>T. VCF-style: chr1-162759844-C-T. GRCh37 (hg19) VCF-style: chr1-162729634-C-T.
Other names: c.720C>T, p.Asp240= (LRG_1390t1, NM_001014796.3, NM_001354982.2 and 1 more transcripts).
Identifiers: ClinVar variation 198839 (VCV000198839.53), dbSNP rs141801107, ClinGen allele CA247681.

ClinVar aggregate classification (germline): Conflicting classifications of pathogenicity. Review status: criteria provided, conflicting classifications (1 of 4 stars). 6 submissions from 6 submitters: Uncertain significance (2); Likely benign (4). Last evaluated 2026-01-22.

Conditions:
DDR2-related disorder. Also called: DDR2-related condition.
Spondyloepimetaphyseal dysplasia-short limb-abnormal calcification syndrome (SMED-SL). Also called: Smed short limb-abnormal calcification type; SMED, TYPE II; SMED-SL/AC; SMED short limb-hand type; SMED type 2; Spondylometaepiphyseal dysplasia short limb-abnormal calcification type. Identifiers: Orphanet 93358, MedGen C1849011, MONDO:0010077, OMIM 271665.

Allele frequency attached by ClinVar (database versions not stated): gnomAD 0.00028 and 0.00031; ExAC 0.00036; TOPMed 0.00036; ESP Exome Variant Server 0.00038; gnomAD exomes 0.00039.
gnomAD v4.1: 610 of 1,614,116 alleles (0.038%); highest among the groups gnomAD compares: Middle Eastern, 0.12%; 1 homozygote.

Submissions (6):

Labcorp Genetics (formerly Invitae), Labcorp
Classification: Likely benign. Last evaluated: 2026-01-22. Review status: criteria provided, single submitter. Criteria: Invitae Variant Classification Sherloc (09022015). Collection method: clinical testing. Allele origin: germline.

PreventionGenetics, part of Exact Sciences
Classification: Likely benign for DDR2-related condition. Last evaluated: 2025-05-12. Review status: criteria provided, single submitter. Criteria: ACMG Guidelines, 2015. Collection method: clinical testing. Allele origin: germline.
Comment: This variant is classified as likely benign based on ACMG/AMP sequence variant interpretation guidelines (Richards et al. 2015 PMID: 25741868, with internal and published modifications).

Blueprint Genetics
Classification: Likely benign. Last evaluated: 2024-10-31. Review status: criteria provided, single submitter. Criteria: ACMG Guidelines, 2015. Collection method: clinical testing. Allele origin: germline.

CeGaT Center for Human Genetics Tuebingen
Classification: Likely benign. Last evaluated: 2021-05-01. Review status: criteria provided, single submitter. Criteria: CeGaT Center For Human Genetics Tuebingen Variant Classification Criteria Version 2. Collection method: clinical testing. Allele origin: germline. Affected: yes. Observed: 1 variant allele.

Illumina Laboratory Services, Illumina
Classification: Uncertain significance for Spondyloepimetaphyseal dysplasia-short limb-abnormal calcification syndrome. Last evaluated: 2018-01-13. Review status: criteria provided, single submitter. Criteria: ICSL Variant Classification Criteria 13 December 2019. Collection method: clinical testing. Allele origin: germline.

Eurofins Ntd Llc (ga)
Classification: Uncertain significance. Last evaluated: 2017-07-17. Review status: criteria provided, single submitter. Criteria: EGL Classification Definitions 2015. Collection method: clinical testing. Allele origin: germline. Observed: 2 variant alleles, 2 heterozygotes.